The following is an entry in ClinVar:

NM_000018.4(ACADVL):c.18G>A (p.Met6Ile)

Genes: ACADVL (acyl-CoA dehydrogenase very long chain; plus strand), DLG4 (discs large MAGUK scaffold protein 4; minus strand). Cytogenetic location: 17p13.1.
Variant type: single nucleotide variant.
Coding change: c.18G>A on transcript NM_000018.4 (MANE Select); coding-DNA position 18, G replaced by A.
Protein change: p.Met6Ile; replaces methionine 6 with isoleucine.
Molecular consequence: missense variant. On other transcripts: 5 prime UTR variant (2), non-coding transcript variant (1), intron variant (1).
Genome position (GRCh38, 1-based): chr17:7,220,002, G>A. VCF-style: chr17-7220002-G-A. GRCh37 (hg19) VCF-style: chr17-7123321-G-A.
Other names: c.-1153C>T (NM_001321074.1); c.18G>A, p.Met6Ile (NM_001033859.3); c.-286G>A (NM_001270448.2); c.132-120G>A (NM_001270447.2); short protein forms M6I.
Identifiers: ClinVar variation 1977648 (VCV001977648.3), dbSNP rs1427232700, ClinGen allele CA397721926.
Genomic context (GRCh38, chr17:7,220,002, plus strand): 5'-CTGGGTCAGAGCTCGAGCCAGCGGCGCCCGGAGAGATTCGGAGATGCAGGCGGCTCGGAT[G>A]GCCGCGAGCTTGGGGCGGCAGCTGCTGAGGCTCGGGGGCGGAAGGTCTGTGTGTGACAAG-3'
Protein context (NP_000009.1, residues 1-16): MQAAR[Met6Ile]AASLGRQLLR

ClinVar aggregate classification (germline): Uncertain significance (1 of 4 stars; one submission).

Conditions:
Very long chain acyl-CoA dehydrogenase deficiency (ACADVLD). Also called: VLCAD Deficiency; Very Long-Chain Acyl-Coenzyme A Dehydrogenase Deficiency. Identifiers: Orphanet 26793, MedGen C3887523, MONDO:0008723, OMIM 201475.

Allele frequency attached by ClinVar (database versions not stated): TOPMed below 0.00001; gnomAD 0.00001.
gnomAD v4.1: 1 of 1,604,204 alleles (0.000062%); highest among the groups gnomAD compares: Non-Finnish European, 0.000085%; no homozygotes.

Submission:

Labcorp Genetics (formerly Invitae), Labcorp
Classification: Uncertain significance for Very long chain acyl-CoA dehydrogenase deficiency. Last evaluated: 2024-10-18. Review status: criteria provided, single submitter. Criteria: Invitae Variant Classification Sherloc (09022015). Collection method: clinical testing. Allele origin: germline.
Comment: This sequence change replaces methionine, which is neutral and non-polar, with isoleucine, which is neutral and non-polar, at codon 6 of the ACADVL protein (p.Met6Ile). This variant is not present in population databases (gnomAD no frequency). This variant has not been reported in the literature in individuals affected with ACADVL-related conditions. ClinVar contains an entry for this variant (Variation ID: 1977648). An algorithm developed to predict the effect of missense changes on protein structure and function outputs the following: PolyPhen-2: "Not Available". The isoleucine amino acid residue is found in multiple mammalian species, which suggests that this missense change does not adversely affect protein function. In summary, the available evidence is currently insufficient to determine the role of this variant in disease. Therefore, it has been classified as a Variant of Uncertain Significance.